The following is an entry in ClinVar:

ClinVar aggregate classification (germline): Uncertain significance (1 of 4 stars; one submission).

Conditions:
Lethal congenital glycogen storage disease of heart. Also called: PHOSPHORYLASE KINASE DEFICIENCY OF HEART; GLYCOGEN STORAGE DISEASE OF HEART. Identifiers: Orphanet 439854, MedGen C1849813, MONDO:0009867, OMIM 261740.

Submission:

Labcorp Genetics (formerly Invitae), Labcorp
Classification: Uncertain significance for Lethal congenital glycogen storage disease of heart. Last evaluated: 2023-04-14. Review status: criteria provided, single submitter. Criteria: Invitae Variant Classification Sherloc (09022015). Collection method: clinical testing. Allele origin: germline.
Comment: This sequence change replaces alanine, which is neutral and non-polar, with threonine, which is neutral and polar, at codon 482 of the PRKAG2 protein (p.Ala482Thr). This variant is not present in population databases (gnomAD no frequency). This missense change has been observed in individual(s) with PRKAG2-related conditions (PMID: 32646569). ClinVar contains an entry for this variant (Variation ID: 1382264). Advanced modeling of protein sequence and biophysical properties (such as structural, functional, and spatial information, amino acid conservation, physicochemical variation, residue mobility, and thermodynamic stability) has been performed at Invitae for this missense variant, however the output from this modeling did not meet the statistical confidence thresholds required to predict the impact of this variant on PRKAG2 protein function. In summary, the available evidence is currently insufficient to determine the role of this variant in disease. Therefore, it has been classified as a Variant of Uncertain Significance.

Literature cited by the submitters: PubMed 32646569.

NM_016203.4(PRKAG2):c.1444G>A (p.Ala482Thr)

Gene: PRKAG2 (protein kinase AMP-activated non-catalytic subunit gamma 2; minus strand). Cytogenetic location: 7q36.1.
Variant type: single nucleotide variant.
Coding change: c.1444G>A on transcript NM_016203.4 (MANE Select); coding-DNA position 1444, G replaced by A.
Protein change: p.Ala482Thr; replaces alanine 482 with threonine.
Molecular consequence: missense variant.
Genome position (GRCh38, 1-based): chr7:151,564,218, C>T on the plus strand (G>A on the coding strand, the complement: PRKAG2 is on the minus strand). VCF-style: chr7-151564218-C-T. GRCh37 (hg19) VCF-style: chr7-151261304-C-T.
Other names: c.1312G>A, p.Ala438Thr (NM_001040633.2); c.1069G>A, p.Ala357Thr (NM_001304527.2); c.721G>A, p.Ala241Thr (NM_001304531.2, NM_024429.2); c.1072G>A, p.Ala358Thr (NM_001363698.2); short protein forms A357T, A438T, A482T, A241T, A358T.
Identifiers: ClinVar variation 1382264 (VCV001382264.8), dbSNP rs2150988951, ClinGen allele CA370070730.